The following is an entry in ClinVar:

ClinVar aggregate classification (germline): Conflicting classifications of pathogenicity. Review status: criteria provided, conflicting classifications (1 of 4 stars). 3 submissions from 3 submitters: Uncertain significance (2); Likely benign (1). Last evaluated 2025-08-01.

Allele frequency attached by ClinVar (database versions not stated): ExAC 0.00001; gnomAD 0.00001; gnomAD exomes 0.00001 and 0.00003; TOPMed 0.00002.
gnomAD v4.1: 10 of 1,613,628 alleles (0.00062%); highest among the groups gnomAD compares: Admixed American, 0.015%; no homozygotes.

Submissions (3):

CeGaT Center for Human Genetics Tuebingen
Classification: Likely benign. Last evaluated: 2025-08-01. Review status: criteria provided, single submitter. Criteria: CeGaT Center For Human Genetics Tuebingen Variant Classification Criteria Version 2. Collection method: clinical testing. Allele origin: germline. Affected: yes. Observed: 2 variant alleles.
Comment: TTN: BP4

ARUP Laboratories, Molecular Genetics and Genomics, ARUP Laboratories
Classification: Uncertain significance. Last evaluated: 2025-03-31. Review status: criteria provided, single submitter. Criteria: ARUP Molecular Germline Variant Investigation Process 2024. Collection method: clinical testing. Allele origin: germline.
Comment: The TTN c.27136C>T; p.Pro9046Ser variant (rs772800519; ClinVar Variation ID: 1675827) is rare in the general population (<0.2% allele frequency in the Genome Aggregation Database) and has not been reported in the medical literature in association with dilated cardiomyopathy (DCM) or other TTN-related disease. The clinical relevance of rare missense variants in this gene, which are identified on average once per individual sequenced in affected populations (Herman 2012), is not well understood. Yet, evidence suggests that the vast majority of such missense variants do not contribute to the clinical outcome of DCM (Begay 2015). Thus, the clinical significance of the p.Pro9046Ser variant cannot be determined with certainty.

Revvity Omics, Revvity
Classification: Uncertain significance. Last evaluated: 2019-08-28. Review status: criteria provided, single submitter. Criteria: ACMG Guidelines, 2015. Collection method: clinical testing. Allele origin: germline.

NM_001267550.2(TTN):c.27136C>T (p.Pro9046Ser)

Gene: TTN (titin; minus strand). Cytogenetic location: 2q31.2.
Variant type: single nucleotide variant.
Coding change: c.27136C>T on transcript NM_001267550.2 (MANE Select); coding-DNA position 27136, C replaced by T.
Protein change: p.Pro9046Ser; replaces proline 9046 with serine.
Molecular consequence: missense variant. On other transcripts: intron variant (3).
Genome position (GRCh38, 1-based): chr2:178,712,889, G>A on the plus strand (C>T on the coding strand, the complement: TTN is on the minus strand). VCF-style: chr2-178712889-G-A. GRCh37 (hg19) VCF-style: chr2-179577616-G-A.
Other names: c.26185C>T, p.Pro8729Ser (NM_001256850.1); c.23404C>T, p.Pro7802Ser (NM_133378.4); c.13282+25193C>T (NM_003319.4); c.13858+25193C>T (NM_133437.4); c.13657+25193C>T (NM_133432.3); short protein forms P7802S, P8729S, P9046S.
Identifiers: ClinVar variation 1675827 (VCV001675827.37), dbSNP rs772800519, ClinGen allele CA1999860.